The following is an entry in ClinVar:

NM_181712.5(KANK4):c.2874G>A (p.Leu958=)

Gene: KANK4 (KN motif and ankyrin repeat domains 4; minus strand). Cytogenetic location: 1p31.3.
Variant type: single nucleotide variant.
Coding change: c.2874G>A on transcript NM_181712.5 (MANE Select); coding-DNA position 2874, G replaced by A.
Protein change: p.Leu958=; no amino-acid change (leucine 958 retained).
Molecular consequence: synonymous variant.
Genome position (GRCh38, 1-based): chr1:62,247,481, C>T on the plus strand (G>A on the coding strand, the complement: KANK4 is on the minus strand). VCF-style: chr1-62247481-C-T. GRCh37 (hg19) VCF-style: chr1-62713153-C-T.
Other names: c.990G>A, p.Leu330= (NM_001320269.2).
Identifiers: ClinVar variation 3049794 (VCV003049794.2), dbSNP rs936213695, ClinGen allele CA23725278.

ClinVar aggregate classification (germline): Likely benign (0 of 4 stars; one submission).

Conditions:
KANK4-related disorder. Also called: KANK4-related condition.

Allele frequency attached by ClinVar (database versions not stated): TOPMed below 0.00001.

Submission:

PreventionGenetics, part of Exact Sciences
Classification: Likely benign for KANK4-related condition. Last evaluated: 2022-06-14. Review status: no assertion criteria provided. Collection method: clinical testing. Allele origin: germline.
Comment: This variant is classified as likely benign based on ACMG/AMP sequence variant interpretation guidelines (Richards et al. 2015 PMID: 25741868, with internal and published modifications).